The following is an entry in ClinVar:

ClinVar aggregate classification (germline): Pathogenic (1 of 4 stars; one submission).

Conditions:
Hereditary cancer-predisposing syndrome. Also called: Hereditary Cancer Syndrome; Hereditary neoplastic syndrome; Neoplastic Syndromes, Hereditary; Tumor predisposition. Identifiers: Orphanet 140162, MedGen C0027672, MeSH D009386, MONDO:0015356.

Submission:

Ambry Genetics
Classification: Pathogenic for Hereditary cancer-predisposing syndrome. Last evaluated: 2017-12-12. Review status: criteria provided, single submitter. Criteria: Ambry Variant Classification Scheme 2023. Collection method: clinical testing. Allele origin: germline.
Comment: The c.185_196del12insA pathogenic mutation, located in coding exon 2 of the CDKN2A gene, results from the deletion of 12 nucleotides and insertion of one nucleotide causing a translational frameshift with a predicted alternate stop codon (p.L62Qfs*54). This alteration is expected to result in loss of function by premature protein truncation or nonsense-mediated mRNA decay. As such, this alteration is interpreted as a disease-causing mutation.

NM_000077.5(CDKN2A):c.185_196delinsA (p.Leu62fs)

Gene: CDKN2A (cyclin dependent kinase inhibitor 2A; minus strand). Cytogenetic location: 9p21.3.
Variant type: Indel.
Coding change: c.185_196delinsA on transcript NM_000077.5; coding-DNA positions 185 to 196, TGCTGCTGCTCC replaced by A.
Protein change: p.Leu62fs; shifts the reading frame from leucine 62.
Molecular consequence: frameshift variant (on NM_000077.4). On other transcripts: 3 prime UTR variant (1).
Genome position (GRCh38, 1-based): chr9:21,971,163-21,971,174, GGAGCAGCAGCA replaced by T on the plus strand (TGCTGCTGCTCC replaced by A on the coding strand, the reverse complement: CDKN2A is on the minus strand). VCF-style: chr9-21971163-GGAGCAGCAGCA-T. GRCh37 (hg19) VCF-style: chr9-21971162-GGAGCAGCAGCA-T.
Other names: c.185_196del12insA (NM_000077.4); c.185_196delTGCTGCTGCTCCinsA, p.Leu62Glnfs (NM_000077.6); c.185_196delinsA, p.Leu62fs (NM_001195132.2); c.32_43delinsA, p.Leu11fs (NM_001363763.2); c.228_239delinsA, p.Ala77fs (NM_058195.4); c.*108_*119delinsA (NM_058197.5); short protein forms A77fs, L62fs, L11fs.
Identifiers: ClinVar variation 1781307 (VCV001781307.2), dbSNP rs2489276462, ClinGen allele CA2580080329.